The following is an entry in ClinVar:

NM_018127.7(ELAC2):c.2024G>A (p.Arg675Gln)

Gene: ELAC2 (elaC ribonuclease Z 2; minus strand). Cytogenetic location: 17p12.
Variant type: single nucleotide variant.
Coding change: c.2024G>A on transcript NM_018127.7 (MANE Select); coding-DNA position 2024, G replaced by A.
Protein change: p.Arg675Gln; replaces arginine 675 with glutamine.
Molecular consequence: missense variant.
Genome position (GRCh38, 1-based): chr17:12,994,769, C>T on the plus strand (G>A on the coding strand, the complement: ELAC2 is on the minus strand). VCF-style: chr17-12994769-C-T. GRCh37 (hg19) VCF-style: chr17-12898086-C-T.
Other names: c.1904G>A, p.Arg635Gln (NM_001165962.2); c.2021G>A, p.Arg674Gln (NM_173717.2); short protein forms R674Q, R635Q, R675Q.
Identifiers: ClinVar variation 848864 (VCV000848864.4), dbSNP rs765368974, ClinGen allele CA8400974.

ClinVar aggregate classification (germline): Conflicting classifications of pathogenicity. Review status: criteria provided, conflicting classifications (1 of 4 stars). 2 submissions from 2 submitters: Uncertain significance (1); Likely benign (1). Last evaluated 2023-12-17.

Conditions:
Combined oxidative phosphorylation defect type 17. Also called: Combined oxidative phosphorylation deficiency 17. Identifiers: Orphanet 369913, MedGen C3809526, MONDO:0014190, OMIM 615440.
Inborn genetic diseases. Identifiers: MedGen C0950123, MeSH D030342.

Allele frequency attached by ClinVar (database versions not stated): TOPMed 0.00003; gnomAD 0.00001; ExAC 0.00002; gnomAD exomes 0.00002.
gnomAD v4.1: 34 of 1,613,812 alleles (0.0021%); highest among the groups gnomAD compares: East Asian, 0.0045%; no homozygotes.

Submissions (2):

Ambry Genetics
Classification: Likely benign for Inborn genetic diseases. Last evaluated: 2023-12-17. Review status: criteria provided, single submitter. Criteria: Ambry Variant Classification Scheme 2023. Collection method: clinical testing. Allele origin: germline.

Labcorp Genetics (formerly Invitae), Labcorp
Classification: Uncertain significance for Combined oxidative phosphorylation defect type 17. Last evaluated: 2022-04-11. Review status: criteria provided, single submitter. Criteria: Invitae Variant Classification Sherloc (09022015). Collection method: clinical testing. Allele origin: germline.
Comment: This sequence change replaces arginine, which is basic and polar, with glutamine, which is neutral and polar, at codon 675 of the ELAC2 protein (p.Arg675Gln). This variant is present in population databases (rs765368974, gnomAD 0.01%). This variant has not been reported in the literature in individuals affected with ELAC2-related conditions. ClinVar contains an entry for this variant (Variation ID: 848864). Algorithms developed to predict the effect of missense changes on protein structure and function output the following: SIFT: "Tolerated"; PolyPhen-2: "Benign"; Align-GVGD: "Class C0". The glutamine amino acid residue is found in multiple mammalian species, which suggests that this missense change does not adversely affect protein function. Algorithms developed to predict the effect of sequence changes on RNA splicing suggest that this variant may create or strengthen a splice site. In summary, the available evidence is currently insufficient to determine the role of this variant in disease. Therefore, it has been classified as a Variant of Uncertain Significance.